The following is an entry in ClinVar:

ClinVar aggregate classification (germline): Conflicting classifications of pathogenicity. Review status: criteria provided, conflicting classifications (1 of 4 stars). 4 submissions from 4 submitters: Likely pathogenic (1); Uncertain significance (1). 2 of the submissions do not count toward it. Last evaluated 2024-07-11.

Conditions:
Combined oxidative phosphorylation deficiency 35 (COXPD35). Identifiers: MedGen C4693466, MONDO:0054742, OMIM 617873.
TRIT1 Deficiency.

Allele frequency attached by ClinVar (database versions not stated): TOPMed 0.00003; gnomAD 0.00004; gnomAD exomes 0.00011.
gnomAD v4.1: 161 of 1,614,066 alleles (0.01%); highest among the groups gnomAD compares: Non-Finnish European, 0.013%; no homozygotes.

Submissions (4):

GeneDx
Classification: Likely pathogenic. Last evaluated: 2024-07-11. Review status: criteria provided, single submitter. Criteria: GeneDx Variant Classification Process June 2021. Collection method: clinical testing. Allele origin: germline. Affected: yes.
Comment: Not observed at significant frequency in large population cohorts (gnomAD); In silico analysis supports that this missense variant has a deleterious effect on protein structure/function; This variant is associated with the following publications: (PMID: 35418828, 36047296, 28185376, 36768505)

SIB Swiss Institute of Bioinformatics
Classification: Uncertain significance for Combined oxidative phosphorylation deficiency 35. Last evaluated: 2018-10-15. Review status: criteria provided, single submitter. Criteria: ACMG Guidelines, 2015. Collection method: curation. Allele origin: unknown.
Comment: This variant is interpreted as Uncertain Significance - Insufficient Evidence, for Combined oxidative phosphorylation deficiency 35, autosomal recessive. The following ACMG Tag(s) were applied: PP3 => Multiple lines of computational evidence support a deleterious effect on the gene or gene product. PM2 => Absent from controls (or at extremely low frequency if recessive) in Exome Sequencing Project, 1000 Genomes Project, or Exome Aggregation Consortium.

OMIM
Classification: Pathogenic for COMBINED OXIDATIVE PHOSPHORYLATION DEFICIENCY 35. Last evaluated: 2018-02-16. Review status: no assertion criteria provided. Collection method: literature only. Allele origin: germline. Not counted in ClinVar's aggregate classification.

Care4Rare-SOLVE, CHEO
Classification: Uncertain significance for TRIT1 Deficiency. Review status: no assertion criteria provided. Collection method: research. Allele origin: inherited. Affected: yes. Observed: 1 variant allele. Study: Care4Rare. Not counted in ClinVar's aggregate classification.
Comment: This variant was seen in a heterozygous state with c.1256A>C.

Literature cited by the submitters: PubMed 28185376 (cited by OMIM).

NM_017646.6(TRIT1):c.848T>G (p.Ile283Ser)

Gene: TRIT1 (tRNA isopentenyltransferase 1; minus strand). Cytogenetic location: 1p34.2.
Variant type: single nucleotide variant.
Coding change: c.848T>G on transcript NM_017646.6 (MANE Select); coding-DNA position 848, T replaced by G.
Protein change: p.Ile283Ser; replaces isoleucine 283 with serine.
Molecular consequence: missense variant.
Genome position (GRCh38, 1-based): chr1:39,847,628, A>C on the plus strand (T>G on the coding strand, the complement: TRIT1 is on the minus strand). VCF-style: chr1-39847628-A-C. GRCh37 (hg19) VCF-style: chr1-40313300-A-C.
Other names: c.848T>G, p.Ile283Ser (NM_001312691.2); c.602T>G, p.Ile201Ser (NM_001312692.2); short protein forms I283S, I201S.
Identifiers: ClinVar variation 417681 (VCV000417681.7), dbSNP rs199622789, ClinGen allele CA787986.